The following is an entry in ClinVar:

NM_015021.3(ZNF292):c.7268T>A (p.Leu2423His)

Gene: ZNF292 (zinc finger protein 292; plus strand). Cytogenetic location: 6q14.3.
Variant type: single nucleotide variant.
Coding change: c.7268T>A on transcript NM_015021.3 (MANE Select); coding-DNA position 7268, T replaced by A.
Protein change: p.Leu2423His; replaces leucine 2423 with histidine.
Molecular consequence: missense variant.
Genome position (GRCh38, 1-based): chr6:87,260,897, T>A. VCF-style: chr6-87260897-T-A. GRCh37 (hg19) VCF-style: chr6-87970615-T-A.
Other names: c.7268T>A (NM_015021.1); c.6848T>A, p.Leu2283His (NM_001351444.2); short protein forms L2283H, L2423H.
Identifiers: ClinVar variation 2656758 (VCV002656758.24), dbSNP rs202042334, ClinGen allele CA3914759.

ClinVar aggregate classification (germline): Likely benign. Review status: criteria provided, multiple submitters, no conflicts (2 of 4 stars). 2 submissions from 2 submitters: Likely benign (2). Last evaluated 2025-04-25.

Conditions:
Inborn genetic diseases. Identifiers: MedGen C0950123, MeSH D030342.

Allele frequency attached by ClinVar (database versions not stated): 1000 Genomes Project 30x 0.00016; 1000 Genomes Project 0.00020; gnomAD exomes 0.00029; ESP Exome Variant Server 0.00034; TOPMed 0.00038; gnomAD 0.00040; ExAC 0.00057.
gnomAD v4.1: 480 of 1,610,636 alleles (0.03%); highest among the groups gnomAD compares: South Asian, 0.2%; 2 homozygotes.

Submissions (2):

Ambry Genetics
Classification: Likely benign for Inborn genetic diseases. Last evaluated: 2025-04-25. Review status: criteria provided, single submitter. Criteria: Ambry Variant Classification Scheme 2023. Collection method: clinical testing. Allele origin: germline.

CeGaT Center for Human Genetics Tuebingen
Classification: Likely benign. Last evaluated: 2024-01-01. Review status: criteria provided, single submitter. Criteria: CeGaT Center For Human Genetics Tuebingen Variant Classification Criteria Version 2. Collection method: clinical testing. Allele origin: germline. Affected: yes. Observed: 3 variant alleles.
Comment: ZNF292: BS1